The following is an entry in ClinVar:

NM_000485.3(APRT):c.97C>T (p.Leu33=)

Gene: APRT (adenine phosphoribosyltransferase; minus strand). Cytogenetic location: 16q24.3.
Variant type: single nucleotide variant.
Coding change: c.97C>T on transcript NM_000485.3 (MANE Select); coding-DNA position 97, C replaced by T.
Protein change: p.Leu33=; no amino-acid change (leucine 33 retained).
Molecular consequence: synonymous variant.
Genome position (GRCh38, 1-based): chr16:88,811,640, G>A on the plus strand (C>T on the coding strand, the complement: APRT is on the minus strand). VCF-style: chr16-88811640-G-A. GRCh37 (hg19) VCF-style: chr16-88878048-G-A.
Other names: p.Leu33=; c.97C>T, p.Leu33= (NM_001030018.2).
Identifiers: ClinVar variation 321166 (VCV000321166.17), dbSNP rs8191473, ClinGen allele CA8234567.
Genomic context (GRCh38, chr16:88,811,640, plus strand): 5'-TCGCCTTCAGGTGTCGCGCCAGGAGGCCGATGGCGGCGCGGAAGGAGGCGGGGTCCTTCA[G>A]GACGGGCGAGATGTCCCTGGACCCAAGGACAGGCCTGGTGACGCCGGGGCCGAAGGAGGG-3'
Protein context (NP_000476.1, residues 23-43): GVVFRDISPV[Leu33=]KDPASFRAAI

ClinVar aggregate classification (germline): Benign/Likely benign. Review status: criteria provided, multiple submitters, no conflicts (2 of 4 stars). 4 submissions from 4 submitters: Benign (2); Likely benign (2). Last evaluated 2026-02-04.

Allele frequency attached by ClinVar (database versions not stated): 1000 Genomes Project 0.01078; 1000 Genomes Project 30x 0.01156; TOPMed 0.01834; ESP Exome Variant Server 0.01913; gnomAD 0.01929 and 0.01977; gnomAD exomes 0.01973 and 0.02779; ExAC 0.03530.
gnomAD v4.1: 42,886 of 1,597,436 alleles (2.7%); highest among the groups gnomAD compares: Non-Finnish European, 3.2%; 710 homozygotes.

Submissions (4):

Labcorp Genetics (formerly Invitae), Labcorp
Classification: Benign. Last evaluated: 2026-02-04. Review status: criteria provided, single submitter. Criteria: Invitae Variant Classification Sherloc (09022015). Collection method: clinical testing. Allele origin: germline.

Mayo Clinic Laboratories, Mayo Clinic
Classification: Benign. Last evaluated: 2024-01-15. Review status: criteria provided, single submitter. Criteria: ACMG Guidelines, 2015. Collection method: clinical testing. Allele origin: germline. Observed: 4 variant alleles.
Comment: BS1, BS2, BP4, BP7

GeneDx
Classification: Likely benign. Last evaluated: 2021-04-12. Review status: criteria provided, single submitter. Criteria: GeneDx Variant Classification Process June 2021. Collection method: clinical testing. Allele origin: germline. Affected: yes.

Breakthrough Genomics
Classification: Likely benign. Review status: criteria provided, single submitter. Criteria: ACMG Guidelines, 2015. Collection method: not provided. Allele origin: germline. Inheritance: Autosomal recessive inheritance. Affected: yes.